The following is an entry in ClinVar:

NM_004431.5(EPHA2):c.*668G>T

Gene: EPHA2 (EPH receptor A2; minus strand). Cytogenetic location: 1p36.13.
Variant type: single nucleotide variant.
Coding change: c.*668G>T on transcript NM_004431.5 (MANE Select); 668 bases downstream of the stop codon, G replaced by T.
Molecular consequence: 3 prime UTR variant.
Genome position (GRCh38, 1-based): chr1:16,124,547, C>A on the plus strand (G>T on the coding strand, the complement: EPHA2 is on the minus strand). VCF-style: chr1-16124547-C-A. GRCh37 (hg19) VCF-style: chr1-16451042-C-A.
Other names: c.*668G>T (NM_001329090.2).
Identifiers: ClinVar variation 293392 (VCV000293392.5), dbSNP rs146367469, ClinGen allele CA10608525.

ClinVar aggregate classification (germline): Benign (1 of 4 stars; one submission).

Conditions:
Cataract 6 multiple types. Also called: CATARACT, AGE-RELATED CORTICAL, 2; CATARACT 6, POSTERIOR POLAR; CATARACT 6, CONGENITAL TOTAL. Identifiers: Orphanet 91492, MedGen C1861825, MONDO:0007288, OMIM 116600.

Allele frequency attached by ClinVar (database versions not stated): gnomAD 0.00207 and 0.00201; 1000 Genomes Project 0.00040; 1000 Genomes Project 30x 0.00047; TOPMed 0.00188; gnomAD exomes 0.00545.
gnomAD v4.1: 307 of 152,834 alleles (0.2%); highest among the groups gnomAD compares: Non-Finnish European, 0.31%; 1 homozygote.

Submission:

Illumina Laboratory Services, Illumina
Classification: Benign for Cataract 6 multiple types. Last evaluated: 2018-01-13. Review status: criteria provided, single submitter. Criteria: ICSL Variant Classification Criteria 13 December 2019. Collection method: clinical testing. Allele origin: germline.
Comment: This variant was observed in the ICSL laboratory as part of a predisposition screen in an ostensibly healthy population. It had not been previously curated by ICSL or reported in the Human Gene Mutation Database (HGMD: prior to June 1st, 2018), and was therefore a candidate for classification through an automated scoring system. Utilizing variant allele frequency, disease prevalence and penetrance estimates, and inheritance mode, an automated score was calculated to assess if this variant is too frequent to cause the disease. Based on the score and internal cut-off values, a variant classified as benign is not then subjected to further curation. The score for this variant resulted in a classification of benign for this disease.